The following is an entry in ClinVar:

NM_001371727.1(GABRB2):c.1125G>T (p.Leu375Phe)

Gene: GABRB2 (gamma-aminobutyric acid type A receptor subunit beta2; minus strand). Cytogenetic location: 5q34.
Variant type: single nucleotide variant.
Coding change: c.1125G>T on transcript NM_001371727.1 (MANE Select); coding-DNA position 1125, G replaced by T.
Protein change: p.Leu375Phe; replaces leucine 375 with phenylalanine.
Molecular consequence: missense variant. On other transcripts: intron variant (1).
Genome position (GRCh38, 1-based): chr5:161,326,434, C>A on the plus strand (G>T on the coding strand, the complement: GABRB2 is on the minus strand). VCF-style: chr5-161326434-C-A. GRCh37 (hg19) VCF-style: chr5-160753441-C-A.
Other names: c.1125G>T, p.Leu375Phe (NM_021911.3); c.1077+4449G>T (NM_000813.3); short protein forms L375F.
Identifiers: ClinVar variation 2720993 (VCV002720993.3), dbSNP rs749795980, ClinGen allele CA3543402.
Genomic context (GRCh38, chr5:161,326,434, plus strand): 5'-CAGAGAGAAATCGTAATTGGTAGTCCGTCTAGTTGGGGAGAGGTTTCCAGTAGGGTCCCA[C>A]AAGGATCGATATTGGGTCCCATTTTGTTTAATATCTTTATAAAAAATCTGGAAGACAAAG-3'
Protein context (NP_001358656.1, residues 365-385): IKQNGTQYRS[Leu375Phe]WDPTGNLSPT

ClinVar aggregate classification (germline): Uncertain significance (1 of 4 stars; one submission).

Conditions:
Intellectual disability. Also called: Intellectual functioning disability; intellectual disabilities; Intellectual developmental disorder. Identifiers: MedGen C3714756, MeSH D008607, MONDO:0001071, HP:0001249.

Allele frequency attached by ClinVar (database versions not stated): TOPMed 0.00001.
gnomAD v4.1: 3 of 1,613,616 alleles (0.00019%); highest among the groups gnomAD compares: East Asian, 0.0067%; no homozygotes.

Submission:

Labcorp Genetics (formerly Invitae), Labcorp
Classification: Uncertain significance for Intellectual disability. Last evaluated: 2024-05-06. Review status: criteria provided, single submitter. Criteria: Invitae Variant Classification Sherloc (09022015). Collection method: clinical testing. Allele origin: germline.
Comment: This sequence change replaces leucine, which is neutral and non-polar, with phenylalanine, which is neutral and non-polar, at codon 375 of the GABRB2 protein (p.Leu375Phe). This variant is present in population databases (rs749795980, gnomAD 0.02%). This variant has not been reported in the literature in individuals affected with GABRB2-related conditions. Advanced modeling of protein sequence and biophysical properties (such as structural, functional, and spatial information, amino acid conservation, physicochemical variation, residue mobility, and thermodynamic stability) performed at Invitae indicates that this missense variant is not expected to disrupt GABRB2 protein function with a negative predictive value of 95%. In summary, the available evidence is currently insufficient to determine the role of this variant in disease. Therefore, it has been classified as a Variant of Uncertain Significance.